The following is an entry in ClinVar:

NM_012469.4(PRPF6):c.2126C>T (p.Pro709Leu)

Gene: PRPF6 (pre-mRNA processing factor 6; plus strand). Cytogenetic location: 20q13.33.
Variant type: single nucleotide variant.
Coding change: c.2126C>T on transcript NM_012469.4 (MANE Select); coding-DNA position 2126, C replaced by T.
Protein change: p.Pro709Leu; replaces proline 709 with leucine.
Molecular consequence: missense variant.
Genome position (GRCh38, 1-based): chr20:64,027,079, C>T. VCF-style: chr20-64027079-C-T. GRCh37 (hg19) VCF-style: chr20-62658432-C-T.
Other names: short protein forms P709L.
Identifiers: ClinVar variation 4741989 (VCV004741989.1).

ClinVar aggregate classification (germline): Uncertain significance (1 of 4 stars; one submission).

gnomAD v4.1: 10 of 1,614,040 alleles (0.00062%); highest among the groups gnomAD compares: Non-Finnish European, 0.00085%; no homozygotes.

Submission:

Labcorp Genetics (formerly Invitae), Labcorp
Classification: Uncertain significance. Last evaluated: 2025-10-29. Review status: criteria provided, single submitter. Criteria: Invitae Variant Classification Sherloc (09022015). Collection method: clinical testing. Allele origin: germline.
Comment: This sequence change replaces proline, which is neutral and non-polar, with leucine, which is neutral and non-polar, at codon 709 of the PRPF6 protein (p.Pro709Leu). This variant is not present in population databases (gnomAD no frequency). This variant has not been reported in the literature in individuals affected with PRPF6-related conditions. Invitae Evidence Modeling of protein sequence and biophysical properties (such as structural, functional, and spatial information, amino acid conservation, physicochemical variation, residue mobility, and thermodynamic stability) indicates that this missense variant is expected to disrupt PRPF6 protein function with a positive predictive value of 80%. In summary, the available evidence is currently insufficient to determine the role of this variant in disease. Therefore, it has been classified as a Variant of Uncertain Significance.